The following is an entry in ClinVar:

ClinVar aggregate classification (germline): Likely benign. Review status: criteria provided, multiple submitters, no conflicts (2 of 4 stars). 5 submissions from 5 submitters: Likely benign (5). Last evaluated 2026-02-10.

Conditions:
KMT2A-related disorder. Also called: KMT2A-related condition.
Wiedemann-Steiner syndrome (WDSTS). Also called: Growth deficiency and mental retardation with facial dysmorphism. Identifiers: Orphanet 319182, MedGen C1854630, MONDO:0011518, OMIM 605130.

Allele frequency attached by ClinVar (database versions not stated): ExAC 0.00003; gnomAD exomes 0.00006 and 0.00013; TOPMed 0.00008; gnomAD 0.00009.
gnomAD v4.1: 195 of 1,582,622 alleles (0.012%); highest among the groups gnomAD compares: Non-Finnish European, 0.016%; no homozygotes.

Submissions (5):

PreventionGenetics, part of Exact Sciences
Classification: Likely benign for KMT2A-related condition. Last evaluated: 2026-02-10. Review status: criteria provided, single submitter. Criteria: ACMG Guidelines, 2015. Collection method: clinical testing. Allele origin: germline.
Comment: This variant is classified as likely benign based on ACMG/AMP sequence variant interpretation guidelines (Richards et al. 2015 PMID: 25741868, with internal and published modifications).

Labcorp Genetics (formerly Invitae), Labcorp
Classification: Likely benign. Last evaluated: 2025-12-22. Review status: criteria provided, single submitter. Criteria: Invitae Variant Classification Sherloc (09022015). Collection method: clinical testing. Allele origin: germline.

Blueprint Genetics
Classification: Likely benign. Last evaluated: 2024-11-26. Review status: criteria provided, single submitter. Criteria: ACMG Guidelines, 2015. Collection method: clinical testing. Allele origin: germline.

Fulgent Genetics
Classification: Likely benign for Wiedemann-Steiner syndrome. Last evaluated: 2022-01-06. Review status: criteria provided, single submitter. Criteria: ACMG Guidelines, 2015. Collection method: clinical testing. Allele origin: unknown.

Breakthrough Genomics
Classification: Likely benign. Review status: criteria provided, single submitter. Criteria: ACMG Guidelines, 2015. Collection method: not provided. Allele origin: germline. Inheritance: Autosomal dominant inheritance. Affected: yes.

NM_001197104.2(KMT2A):c.6158+9C>T

Gene: KMT2A (lysine methyltransferase 2A; plus strand). Cytogenetic location: 11q23.3.
Variant type: single nucleotide variant.
Coding change: c.6158+9C>T on transcript NM_001197104.2 (MANE Select); 9 bases into the intron after coding-DNA position 6158, C replaced by T.
Molecular consequence: intron variant.
Genome position (GRCh38, 1-based): chr11:118,499,922, C>T. VCF-style: chr11-118499922-C-T. GRCh37 (hg19) VCF-style: chr11-118370637-C-T.
Other names: c.6158+9C>T (NM_001197104.1); c.6149+9C>T (NM_005933.4).
Identifiers: ClinVar variation 1633088 (VCV001633088.12), dbSNP rs200249108, ClinGen allele CA6304188.